The following is an entry in ClinVar:

ClinVar aggregate classification (germline): Likely pathogenic (1 of 4 stars; one submission).

Submission:

GeneDx
Classification: Likely pathogenic. Last evaluated: 2026-02-03. Review status: criteria provided, single submitter. Criteria: GeneDx Variant Classification Process June 2021. Collection method: clinical testing. Allele origin: germline.
Comment: Not observed at significant frequency in large population cohorts (gnomAD); In silico analysis supports that this missense variant has a deleterious effect on protein structure/function; Has not been previously published as pathogenic or benign to our knowledge

NM_001371727.1(GABRB2):c.823G>A (p.Val275Met)

Gene: GABRB2 (gamma-aminobutyric acid type A receptor subunit beta2; minus strand). Cytogenetic location: 5q34.
Variant type: single nucleotide variant.
Coding change: c.823G>A on transcript NM_001371727.1 (MANE Select); coding-DNA position 823, G replaced by A.
Protein change: p.Val275Met; replaces valine 275 with methionine.
Molecular consequence: missense variant.
Genome position (GRCh38, 1-based): chr5:161,334,761, C>T on the plus strand (G>A on the coding strand, the complement: GABRB2 is on the minus strand). VCF-style: chr5-161334761-C-T. GRCh37 (hg19) VCF-style: chr5-160761768-C-T.
Other names: c.823G>A, p.Val275Met (NM_000813.3, NM_021911.3); short protein forms V275M.
Identifiers: ClinVar variation 4887879 (VCV004887879.1).